The following is an entry in ClinVar:

NM_024334.3(TMEM43):c.517A>G (p.Met173Val)

Gene: TMEM43 (transmembrane protein 43; plus strand). Cytogenetic location: 3p25.1.
Variant type: single nucleotide variant.
Coding change: c.517A>G on transcript NM_024334.3 (MANE Select); coding-DNA position 517, A replaced by G.
Protein change: p.Met173Val; replaces methionine 173 with valine.
Molecular consequence: missense variant.
Genome position (GRCh38, 1-based): chr3:14,133,743, A>G. VCF-style: chr3-14133743-A-G. GRCh37 (hg19) VCF-style: chr3-14175243-A-G.
Other names: c.520A>G, p.Met174Val (NM_001407274.1); c.517A>G, p.Met173Val (NM_001407275.1, NM_001407276.1, NM_001407277.1 and 1 more transcripts); c.502A>G, p.Met168Val (NM_001407278.1); c.367A>G, p.Met123Val (NM_001407280.1); short protein forms M123V, M168V, M173V, M174V.
Identifiers: ClinVar variation 3069486 (VCV003069486.2), dbSNP rs1695130475, ClinGen allele CA351535273.

ClinVar aggregate classification (germline): Uncertain significance. Review status: criteria provided, multiple submitters, no conflicts (2 of 4 stars). 2 submissions from 2 submitters: Uncertain significance (2). Last evaluated 2025-05-31.

Conditions:
Arrhythmogenic right ventricular dysplasia 5. Also called: Arrhythmogenic Right Ventricular Dysplasia/Cardiomyopathy 5; ARRHYTHMOGENIC RIGHT VENTRICULAR DYSPLASIA, FAMILIAL, 5. Identifiers: MedGen C1858379, MONDO:0011459, OMIM 604400.
Cardiomyopathy (CMYO). Also called: Cardiomyopathies. Identifiers: Orphanet 167848, MedGen C0878544, MONDO:0004994, HP:0001638. Inheritance: Various modes of inheritance.

Submissions (2):

Color Diagnostics, LLC DBA Color Health
Classification: Uncertain significance for Cardiomyopathy. Last evaluated: 2025-05-31. Review status: criteria provided, single submitter. Criteria: ACMG Guidelines, 2015. Collection method: clinical testing. Allele origin: germline.
Comment: This missense variant replaces methionine with valine at codon 173 of the TMEM43 protein. Computational prediction suggests that this variant may not impact protein structure and function. To our knowledge, functional studies have not been reported for this variant. This variant has not been reported in individuals affected with TMEM43-related disorders in the literature. This variant has not been identified in the general population by the Genome Aggregation Database (gnomAD). The available evidence is insufficient to determine the role of this variant in disease conclusively. Therefore, this variant is classified as a Variant of Uncertain Significance.

All of Us Research Program, National Institutes of Health
Classification: Uncertain significance for Arrhythmogenic right ventricular dysplasia 5. Last evaluated: 2023-02-24. Review status: criteria provided, single submitter. Criteria: ACMG Guidelines, 2015. Collection method: clinical testing. Allele origin: germline. Inheritance: Autosomal dominant inheritance. Observed: 1 variant allele, 1 heterozygote.
Comment: This missense variant replaces methionine with valine at codon 173 of the TMEM43 protein. Computational prediction suggests that this variant may not impact protein structure and function (internally defined REVEL score threshold <= 0.5, PMID: 27666373). To our knowledge, functional studies have not been reported for this variant. This variant has not been reported in individuals affected with TMEM43-related disorders in the literature. This variant has not been identified in the general population by the Genome Aggregation Database (gnomAD). The available evidence is insufficient to determine the role of this variant in disease conclusively. Therefore, this variant is classified as a Variant of Uncertain Significance.

This study involves interpretation of variants in research participants for the purpose of population health screening. Participant phenotype was not available at the time of variant classification. Additional details can be found in publication PMID: 35346344, PMCID: PMC8962531